The following is an entry in ClinVar:

NM_001672.3(ASIP):c.225G>A (p.Lys75=)

Genes: AHCY (adenosylhomocysteinase; minus strand), ASIP (agouti signaling protein; plus strand). Cytogenetic location: 20q11.22.
Variant type: single nucleotide variant.
Coding change: c.225G>A on transcript NM_001672.3 (MANE Select); coding-DNA position 225, G replaced by A.
Protein change: p.Lys75=; no amino-acid change (lysine 75 retained).
Molecular consequence: synonymous variant.
Genome position (GRCh38, 1-based): chr20:34,268,993, G>A. VCF-style: chr20-34268993-G-A. GRCh37 (hg19) VCF-style: chr20-32856799-G-A.
Other names: c.225G>A, p.Lys75= (NM_001385218.1).
Identifiers: ClinVar variation 4992854 (VCV004992854.1).
Genomic context (GRCh38, chr20:34,268,993, plus strand): 5'-GTGAGGACCGGAGGGGTGGGCGTGGCCGGCTCATAAAGCCCCGGCGTTTCCCACGCAGAA[G>A]GAGGCTTCGATGAAGAAAGTGGTGCGGCCCCGGACCCCCCTATCTGCGCCCTGCGTGGCC-3'
Protein context (NP_001663.2, residues 65-85): KAAEKKRSSK[Lys75=]EASMKKVVRP

ClinVar aggregate classification (germline): Uncertain significance (1 of 4 stars; one submission).

Conditions:
ASIP-related condition.

gnomAD v4.1: 2 of 1,604,050 alleles (0.00012%); highest among the groups gnomAD compares: South Asian, 0.0022%; no homozygotes.

Submission:

PreventionGenetics, part of Exact Sciences
Classification: Uncertain significance for ASIP-related condition. Last evaluated: 2026-01-30. Review status: criteria provided, single submitter. Criteria: ACMG Guidelines, 2015. Collection method: clinical testing. Allele origin: germline.
Comment: The ASIP c.225G>A variant is not predicted to result in an amino acid change (p.=). This variant is predicted to alter splicing based on available splicing prediction programs (SpliceAI, Jaganathan et al. 2019. PubMed ID: 30661751). To our knowledge, this variant has not been reported in the literature. This variant is reported in 0.0035% of alleles in individuals of South Asian descent in gnomAD. At this time, the clinical significance of this variant is uncertain due to the absence of conclusive functional and genetic evidence.